The following is an entry in ClinVar:

NM_000212.3(ITGB3):c.615-1G>C

Gene: ITGB3 (integrin subunit beta 3; plus strand). Cytogenetic location: 17q21.32.
Variant type: single nucleotide variant.
Coding change: c.615-1G>C on transcript NM_000212.3 (MANE Select); the canonical splice acceptor site of the intron before coding-DNA position 615, G replaced by C.
Molecular consequence: splice acceptor variant.
Genome position (GRCh38, 1-based): chr17:47,286,259, G>C. VCF-style: chr17-47286259-G-C. GRCh37 (hg19) VCF-style: chr17-45363625-G-C.
Identifiers: ClinVar variation 2915187 (VCV002915187.3), dbSNP rs1373910050, ClinGen allele CA400023352.

ClinVar aggregate classification (germline): Likely pathogenic (1 of 4 stars; one submission).

Allele frequency attached by ClinVar (database versions not stated): gnomAD 0.00001; TOPMed 0.00001.
gnomAD v4.1: 2 of 1,614,042 alleles (0.00012%); highest among the groups gnomAD compares: Non-Finnish European, 0.00017%; no homozygotes.

Submission:

Labcorp Genetics (formerly Invitae), Labcorp
Classification: Likely pathogenic. Last evaluated: 2025-05-28. Review status: criteria provided, single submitter. Criteria: Invitae Variant Classification Sherloc (09022015). Collection method: clinical testing. Allele origin: germline.
Comment: This sequence change affects an acceptor splice site in intron 4 of the ITGB3 gene. It is expected to disrupt RNA splicing. Variants that disrupt the donor or acceptor splice site typically lead to a loss of protein function (PMID: 16199547), and loss-of-function variants in ITGB3 are known to be pathogenic (PMID: 21917754). This variant is present in population databases (no rsID available, gnomAD 0.007%). This variant has not been reported in the literature in individuals affected with ITGB3-related conditions. ClinVar contains an entry for this variant (Variation ID: 2915187). Algorithms developed to predict the effect of sequence changes on RNA splicing suggest that this variant may disrupt the consensus splice site. In summary, the currently available evidence indicates that the variant is pathogenic, but additional data are needed to prove that conclusively. Therefore, this variant has been classified as Likely Pathogenic.

Literature cited by the submitters: PubMed 16199547; PubMed 21917754.